The following is an entry in ClinVar:

ClinVar aggregate classification (germline): Likely benign (0 of 4 stars; one submission).

Conditions:
NDRG4-related disorder. Also called: NDRG4-related condition.

Allele frequency attached by ClinVar (database versions not stated): TOPMed 0.00011; gnomAD 0.00003; ESP Exome Variant Server 0.00008; gnomAD exomes 0.00007; ExAC 0.00009.
gnomAD v4.1: 112 of 1,613,570 alleles (0.0069%); highest among the groups gnomAD compares: Admixed American, 0.032%; no homozygotes.

Submission:

PreventionGenetics, part of Exact Sciences
Classification: Likely benign for NDRG4-related condition. Last evaluated: 2019-09-18. Review status: no assertion criteria provided. Collection method: clinical testing. Allele origin: germline.
Comment: This variant is classified as likely benign based on ACMG/AMP sequence variant interpretation guidelines (Richards et al. 2015 PMID: 25741868, with internal and published modifications).

NM_001130487.2(NDRG4):c.141C>T (p.Ser47=)

Gene: NDRG4 (NDRG family member 4; plus strand). Cytogenetic location: 16q21.
Variant type: single nucleotide variant.
Coding change: c.141C>T on transcript NM_001130487.2; coding-DNA position 141, C replaced by T.
Protein change: p.Ser47=; no amino-acid change (serine 47 retained).
Molecular consequence: synonymous variant. On other transcripts: 5 prime UTR variant (1).
Genome position (GRCh38, 1-based): chr16:58,494,972, C>T. VCF-style: chr16-58494972-C-T. GRCh37 (hg19) VCF-style: chr16-58528876-C-T.
Other names: c.-273C>T (NM_001363869.2); c.141C>T, p.Ser47= (NM_001378332.1, NM_001378333.1, NM_001378334.1 and 2 more transcripts); c.120C>T, p.Ser40= (NM_001378337.1, NM_001378341.1, NM_001378343.1); c.81C>T, p.Ser27= (NM_001378338.1, NM_001378339.1, NM_001378340.1 and 5 more transcripts).
Identifiers: ClinVar variation 3041047 (VCV003041047.2), dbSNP rs147207172, ClinGen allele CA8087201.